The following is an entry in ClinVar:

NM_001277115.2(DNAH11):c.3933A>G (p.Pro1311=)

Gene: DNAH11 (dynein axonemal heavy chain 11; plus strand). Cytogenetic location: 7p15.3.
Variant type: single nucleotide variant.
Coding change: c.3933A>G on transcript NM_001277115.2 (MANE Select); coding-DNA position 3933, A replaced by G.
Protein change: p.Pro1311=; no amino-acid change (proline 1311 retained).
Molecular consequence: synonymous variant.
Genome position (GRCh38, 1-based): chr7:21,615,194, A>G. VCF-style: chr7-21615194-A-G. GRCh37 (hg19) VCF-style: chr7-21654812-A-G.
Identifiers: ClinVar variation 238913 (VCV000238913.43), dbSNP rs138071140, ClinGen allele CA4179825.
Genomic context (GRCh38, chr7:21,615,194, plus strand): 5'-CTTAGAAGAAGAAATGTTGCAGATGCAAGAATCTACTCGTCTTTTTGAAGTGGCTCTTCC[A>G]GAGTACAAACAAATGAAACAGTGTCGCAAAGAAATAAAATTGCTCAAGGGACTGTGGGAT-3'
Protein context (NP_001264044.1, residues 1301-1321): ESTRLFEVAL[Pro1311=]EYKQMKQCRK

ClinVar aggregate classification (germline): Conflicting classifications of pathogenicity. Review status: criteria provided, conflicting classifications (1 of 4 stars). 5 submissions from 5 submitters: Uncertain significance (1); Benign (2); Likely benign (2). Last evaluated 2026-01-28.

Conditions:
Primary ciliary dyskinesia 7. Also called: CILIARY DYSKINESIA, PRIMARY, 7, WITH OR WITHOUT SITUS INVERSUS. Identifiers: Orphanet 244, MedGen C2678473, MONDO:0012748, OMIM 611884.
Primary ciliary dyskinesia. Also called: Ciliary dyskinesia. Identifiers: Orphanet 244, MedGen C0008780, MONDO:0016575, HP:0012265.

Allele frequency attached by ClinVar (database versions not stated): gnomAD 0.00135 and 0.00153; ESP Exome Variant Server 0.00151; TOPMed 0.00187; gnomAD exomes 0.00014 and 0.00041; ExAC 0.00048; 1000 Genomes Project 30x 0.00062; 1000 Genomes Project 0.00080.
gnomAD v4.1: 414 of 1,613,404 alleles (0.026%); highest among the groups gnomAD compares: African/African-American, 0.48%; 1 homozygote.

Submissions (5):

Labcorp Genetics (formerly Invitae), Labcorp
Classification: Benign for Primary ciliary dyskinesia. Last evaluated: 2026-01-28. Review status: criteria provided, single submitter. Criteria: Invitae Variant Classification Sherloc (09022015). Collection method: clinical testing. Allele origin: germline.

Blueprint Genetics
Classification: Likely benign. Last evaluated: 2024-09-26. Review status: criteria provided, single submitter. Criteria: ACMG Guidelines, 2015. Collection method: clinical testing. Allele origin: germline.

CeGaT Center for Human Genetics Tuebingen
Classification: Likely benign. Last evaluated: 2022-07-01. Review status: criteria provided, single submitter. Criteria: CeGaT Center For Human Genetics Tuebingen Variant Classification Criteria Version 2. Collection method: clinical testing. Allele origin: germline. Affected: yes. Observed: 1 variant allele.
Comment: DNAH11: BP4, BP7

Ambry Genetics
Classification: Benign for Primary ciliary dyskinesia. Last evaluated: 2018-12-11. Review status: criteria provided, single submitter. Criteria: Ambry Variant Classification Scheme 2023. Collection method: clinical testing. Allele origin: germline.

Illumina Laboratory Services, Illumina
Classification: Uncertain significance for Primary ciliary dyskinesia 7. Last evaluated: 2018-01-13. Review status: criteria provided, single submitter. Criteria: ICSL Variant Classification Criteria 13 December 2019. Collection method: clinical testing. Allele origin: germline.